The following is an entry in ClinVar:

NM_006922.4(SCN3A):c.5034C>T (p.Ala1678=)

Gene: SCN3A (sodium voltage-gated channel alpha subunit 3; minus strand). Cytogenetic location: 2q24.3.
Variant type: single nucleotide variant.
Coding change: c.5034C>T on transcript NM_006922.4 (MANE Select); coding-DNA position 5034, C replaced by T.
Protein change: p.Ala1678=; no amino-acid change (alanine 1678 retained).
Molecular consequence: synonymous variant.
Genome position (GRCh38, 1-based): chr2:165,091,119, G>A on the plus strand (C>T on the coding strand, the complement: SCN3A is on the minus strand). VCF-style: chr2-165091119-G-A. GRCh37 (hg19) VCF-style: chr2-165947629-G-A.
Other names: c.4887C>T, p.Ala1629= (NM_001081676.2, NM_001081677.2).
Identifiers: ClinVar variation 2651477 (VCV002651477.24), dbSNP rs2468041318, ClinGen allele CA429726853.

ClinVar aggregate classification (germline): Likely benign (1 of 4 stars; one submission).

Submission:

CeGaT Center for Human Genetics Tuebingen
Classification: Likely benign. Last evaluated: 2023-09-01. Review status: criteria provided, single submitter. Criteria: CeGaT Center For Human Genetics Tuebingen Variant Classification Criteria Version 2. Collection method: clinical testing. Allele origin: germline. Affected: yes. Observed: 1 variant allele.
Comment: SCN3A: PM2:Supporting, BP4, BP7